The following is an entry in ClinVar:

NM_000295.5(SERPINA1):c.1094A>T (p.Asp365Val)

Gene: SERPINA1 (serpin family A member 1; minus strand). Cytogenetic location: 14q32.13.
Variant type: single nucleotide variant.
Coding change: c.1094A>T on transcript NM_000295.5 (MANE Select); coding-DNA position 1094, A replaced by T.
Protein change: p.Asp365Val; replaces aspartic acid 365 with valine.
Molecular consequence: missense variant.
Genome position (GRCh38, 1-based): chr14:94,378,612, T>A on the plus strand (A>T on the coding strand, the complement: SERPINA1 is on the minus strand). VCF-style: chr14-94378612-T-A. GRCh37 (hg19) VCF-style: chr14-94844949-T-A.
Other names: c.1094A>T, p.Asp365Val (NM_001002235.3, NM_001002236.3, NM_001127700.2 and 7 more transcripts); short protein forms D365V.
Identifiers: ClinVar variation 219357 (VCV000219357.6), dbSNP rs864622046, ClinGen allele CA350011.

ClinVar aggregate classification (germline): Conflicting classifications of pathogenicity. Review status: criteria provided, conflicting classifications (1 of 4 stars). 3 submissions from 3 submitters: Uncertain significance (2); Likely benign (1). Last evaluated 2024-04-11.

Conditions:
Alpha-1-antitrypsin deficiency (A1ATD). Also called: AAT deficiency; A1AT deficiency; Alpha1-Antitrypsin Deficiency. Identifiers: Orphanet 60, MedGen C0221757, MONDO:0013282, OMIM 613490.

Allele frequency attached by ClinVar (database versions not stated): gnomAD 0.00001; gnomAD exomes 0.00001; TOPMed 0.00001.
gnomAD v4.1: 10 of 1,614,052 alleles (0.00062%); highest among the groups gnomAD compares: Admixed American, 0.012%; no homozygotes.

Submissions (3):

Women's Health and Genetics/Laboratory Corporation of America, LabCorp
Classification: Uncertain significance. Last evaluated: 2024-04-11. Review status: criteria provided, single submitter. Criteria: LabCorp Variant Classification Summary - May 2015. Collection method: clinical testing. Allele origin: germline.
Comment: Variant summary: SERPINA1 c.1094A>T (p.Asp365Val) results in a non-conservative amino acid change located in the Serpin domain of the encoded protein sequence. Five of five in-silico tools predict a damaging effect of the variant on protein function. The variant was absent in 251350 control chromosomes. The available data on variant occurrences in the general population are insufficient to allow any conclusion about variant significance. c.1094A>T has been reported in the literature in at least one individual affected with Alpha-1-Antitrypsin Deficiency (Kueppers_2019). This report does not provide unequivocal conclusions about association of the variant with Alpha-1-Antitrypsin Deficiency. To our knowledge, no experimental evidence demonstrating an impact on protein function has been reported. The following publication have been ascertained in the context of this evaluation (PMID: 31307431). ClinVar contains an entry for this variant (Variation ID: 219357). Based on the evidence outlined above, the variant was classified as uncertain significance.

Eurofins Ntd Llc (ga)
Classification: Uncertain significance. Last evaluated: 2017-12-28. Review status: criteria provided, single submitter. Criteria: EGL Classification Definitions 2015. Collection method: clinical testing. Allele origin: germline. Observed: 1 variant allele, 1 heterozygote.

HerediLab, Inc.
Classification: Likely benign for Alpha-1-antitrypsin deficiency. Last evaluated: 2015-10-21. Review status: criteria provided, single submitter. Criteria: HerediLab_Assertion_Criteria. Collection method: clinical testing. Allele origin: germline. Affected: yes.

Literature cited by the submitters: PubMed 31307431 (cited by Women's Health and Genetics/Laboratory Corporation of America, LabCorp).